The following is an entry in ClinVar:

ClinVar aggregate classification (germline): Uncertain significance. Review status: criteria provided, multiple submitters, no conflicts (2 of 4 stars). 6 submissions from 6 submitters: Uncertain significance (6). Last evaluated 2025-09-08.

Conditions:
Hypogonadotropic hypogonadism 11 with or without anosmia (HH11). Also called: HYPOGONADOTROPIC HYPOGONADISM 11 WITHOUT ANOSMIA; TACR3-Related GnRH Deficiency. Identifiers: Orphanet 478, MedGen C3553844, MONDO:0013913, OMIM 614840.

Allele frequency attached by ClinVar (database versions not stated): TOPMed 0.00027.
gnomAD v4.1: 485 of 1,613,760 alleles (0.03%); highest among the groups gnomAD compares: Non-Finnish European, 0.039%; no homozygotes.

Submissions (6):

Labcorp Genetics (formerly Invitae), Labcorp
Classification: Uncertain significance. Last evaluated: 2025-09-08. Review status: criteria provided, single submitter. Criteria: Invitae Variant Classification Sherloc (09022015). Collection method: clinical testing. Allele origin: germline.
Comment: This sequence change replaces alanine, which is neutral and non-polar, with serine, which is neutral and polar, at codon 449 of the TACR3 protein (p.Ala449Ser). This variant is present in population databases (rs17033889, gnomAD 0.04%). This variant has not been reported in the literature in individuals affected with TACR3-related conditions. ClinVar contains an entry for this variant (Variation ID: 436936). An algorithm developed to predict the effect of missense changes on protein structure and function (PolyPhen-2) suggests that this variant is likely to be tolerated. In summary, the available evidence is currently insufficient to determine the role of this variant in disease. Therefore, it has been classified as a Variant of Uncertain Significance.

Department of Pathology and Laboratory Medicine, Sinai Health System
Classification: Uncertain significance for Hypogonadotropic hypogonadism 11 with or without anosmia. Last evaluated: 2023-02-16. Review status: criteria provided, single submitter. Criteria: ACMG Guidelines, 2015. Collection method: research. Allele origin: germline.

GeneDx
Classification: Uncertain significance. Last evaluated: 2023-01-16. Review status: criteria provided, single submitter. Criteria: GeneDx Variant Classification Process June 2021. Collection method: clinical testing. Allele origin: germline. Affected: yes.
Comment: In silico analysis supports that this missense variant does not alter protein structure/function; This variant is associated with the following publications: (PMID: 25153567, 23329188)

CeGaT Center for Human Genetics Tuebingen
Classification: Uncertain significance. Last evaluated: 2021-11-01. Review status: criteria provided, single submitter. Criteria: CeGaT Center For Human Genetics Tuebingen Variant Classification Criteria Version 2. Collection method: clinical testing. Allele origin: germline. Affected: yes. Observed: 1 variant allele.

Illumina Laboratory Services, Illumina
Classification: Uncertain significance for Hypogonadotropic hypogonadism 11 with or without anosmia. Last evaluated: 2018-01-12. Review status: criteria provided, single submitter. Criteria: ICSL Variant Classification Criteria 13 December 2019. Collection method: clinical testing. Allele origin: germline.

Genetic Services Laboratory, University of Chicago
Classification: Uncertain significance. Last evaluated: 2016-11-03. Review status: criteria provided, single submitter. Criteria: ACMG Guidelines, 2015. Collection method: clinical testing. Allele origin: germline. Affected: no.

NM_001059.3(TACR3):c.1345G>T (p.Ala449Ser)

Genes: TACR3 (tachykinin receptor 3; minus strand), TACR3-AS1 (TACR3 antisense RNA 1; plus strand). Cytogenetic location: 4q24.
Variant type: single nucleotide variant.
Coding change: c.1345G>T on transcript NM_001059.3 (MANE Select); coding-DNA position 1345, G replaced by T.
Protein change: p.Ala449Ser; replaces alanine 449 with serine.
Molecular consequence: missense variant.
Genome position (GRCh38, 1-based): chr4:103,589,735, C>A on the plus strand (G>T on the coding strand, the complement: TACR3 is on the minus strand). VCF-style: chr4-103589735-C-A. GRCh37 (hg19) VCF-style: chr4-104510892-C-A.
Other names: short protein forms A449S.
Identifiers: ClinVar variation 436936 (VCV000436936.50), dbSNP rs17033889, ClinGen allele CA3030900.